The following is an entry in ClinVar:

NM_006623.4(PHGDH):c.119A>G (p.Glu40Gly)

Gene: PHGDH (phosphoglycerate dehydrogenase; plus strand). Cytogenetic location: 1p12.
Variant type: single nucleotide variant.
Coding change: c.119A>G on transcript NM_006623.4 (MANE Select); coding-DNA position 119, A replaced by G.
Protein change: p.Glu40Gly; replaces glutamic acid 40 with glycine.
Molecular consequence: missense variant.
Genome position (GRCh38, 1-based): chr1:119,712,141, A>G. VCF-style: chr1-119712141-A-G. GRCh37 (hg19) VCF-style: chr1-120254764-A-G.
Other names: short protein forms E40G.
Identifiers: ClinVar variation 1308575 (VCV001308575.5), dbSNP rs778630047, ClinGen allele CA1036915.

ClinVar aggregate classification (germline): Uncertain significance. Review status: criteria provided, multiple submitters, no conflicts (2 of 4 stars). 5 submissions from 4 submitters: Uncertain significance (5). Last evaluated 2025-08-31.

Conditions:
Neu-Laxova syndrome 1 (NLS1). Identifiers: Orphanet 2671, Orphanet 583607, MedGen C4551478, MONDO:0009736, OMIM 256520. Disease mechanism: loss of function.
Inborn genetic diseases. Identifiers: MedGen C0950123, MeSH D030342.
PHGDH deficiency. Identifiers: Orphanet 79351, MedGen C1866174, MONDO:0011152, OMIM 601815.

Allele frequency attached by ClinVar (database versions not stated): ExAC 0.00001; gnomAD 0.00001; gnomAD exomes 0.00001; TOPMed 0.00001.
gnomAD v4.1: 36 of 1,613,982 alleles (0.0022%); highest among the groups gnomAD compares: Non-Finnish European, 0.0028%; no homozygotes.

Submissions (5):

Ambry Genetics
Classification: Uncertain significance for Inborn genetic diseases. Last evaluated: 2025-08-31. Review status: criteria provided, single submitter. Criteria: Ambry Variant Classification Scheme 2023. Collection method: clinical testing. Allele origin: germline.

Genome-Nilou Lab
Classification: Uncertain significance for Neu-Laxova syndrome 1. Last evaluated: 2023-04-11. Review status: criteria provided, single submitter. Criteria: ACMG Guidelines, 2015. Collection method: clinical testing. Allele origin: germline. Affected: no.

Genome-Nilou Lab
Classification: Uncertain significance for PHGDH deficiency. Last evaluated: 2023-04-11. Review status: criteria provided, single submitter. Criteria: ACMG Guidelines, 2015. Collection method: clinical testing. Allele origin: germline. Affected: no.

Labcorp Genetics (formerly Invitae), Labcorp
Classification: Uncertain significance for PHGDH deficiency. Last evaluated: 2022-10-04. Review status: criteria provided, single submitter. Criteria: Invitae Variant Classification Sherloc (09022015). Collection method: clinical testing. Allele origin: germline.
Comment: This sequence change replaces glutamic acid, which is acidic and polar, with glycine, which is neutral and non-polar, at codon 40 of the PHGDH protein (p.Glu40Gly). This variant is present in population databases (rs778630047, gnomAD 0.003%). This variant has not been reported in the literature in individuals affected with PHGDH-related conditions. ClinVar contains an entry for this variant (Variation ID: 1308575). Advanced modeling of protein sequence and biophysical properties (such as structural, functional, and spatial information, amino acid conservation, physicochemical variation, residue mobility, and thermodynamic stability) performed at Invitae indicates that this missense variant is not expected to disrupt PHGDH protein function. In summary, the available evidence is currently insufficient to determine the role of this variant in disease. Therefore, it has been classified as a Variant of Uncertain Significance.

GeneDx
Classification: Uncertain significance. Last evaluated: 2020-09-03. Review status: criteria provided, single submitter. Criteria: GeneDx Variant Classification Process June 2021. Collection method: clinical testing. Allele origin: germline. Affected: yes.
Comment: In silico analysis, which includes protein predictors and evolutionary conservation, supports a deleterious effect; Has not been previously published as pathogenic or benign to our knowledge